The following is an entry in ClinVar:

ClinVar aggregate classification (germline): Likely benign (1 of 4 stars; one submission).

Conditions:
KIDINS220-related disorder. Also called: KIDINS220-related condition.

gnomAD v4.1: 1 of 1,610,610 alleles (0.000062%); no homozygotes.

Submission:

PreventionGenetics, part of Exact Sciences
Classification: Likely benign for KIDINS220-related condition. Last evaluated: 2024-10-16. Review status: criteria provided, single submitter. Criteria: ACMG Guidelines, 2015. Collection method: clinical testing. Allele origin: germline.
Comment: This variant is classified as likely benign based on ACMG/AMP sequence variant interpretation guidelines (Richards et al. 2015 PMID: 25741868, with internal and published modifications).

NM_020738.4(KIDINS220):c.537A>G (p.Arg179=)

Gene: KIDINS220 (kinase D interacting substrate 220; minus strand). Cytogenetic location: 2p25.1.
Variant type: single nucleotide variant.
Coding change: c.537A>G on transcript NM_020738.4 (MANE Select); coding-DNA position 537, A replaced by G.
Protein change: p.Arg179=; no amino-acid change (arginine 179 retained).
Molecular consequence: synonymous variant. On other transcripts: non-coding transcript variant (2).
Genome position (GRCh38, 1-based): chr2:8,806,337, T>C on the plus strand (A>G on the coding strand, the complement: KIDINS220 is on the minus strand). VCF-style: chr2-8806337-T-C. GRCh37 (hg19) VCF-style: chr2-8946467-T-C.
Other names: c.540A>G, p.Arg180= (NM_001348729.2, NM_001348731.2, NM_001348734.2 and 3 more transcripts); c.537A>G, p.Arg179= (NM_001348732.2, NM_001348735.2, NM_001348738.2 and 3 more transcripts); c.411A>G, p.Arg137= (NM_001348736.2).
Identifiers: ClinVar variation 5000961 (VCV005000961.1).